The following is an entry in ClinVar:

NM_004304.5(ALK):c.375G>C (p.Arg125Ser)

Gene: ALK (ALK receptor tyrosine kinase; minus strand). Cytogenetic location: 2p23.1.
Variant type: single nucleotide variant.
Coding change: c.375G>C on transcript NM_004304.5 (MANE Select); coding-DNA position 375, G replaced by C.
Protein change: p.Arg125Ser; replaces arginine 125 with serine.
Molecular consequence: missense variant.
Genome position (GRCh38, 1-based): chr2:29,920,285, C>G on the plus strand (G>C on the coding strand, the complement: ALK is on the minus strand). VCF-style: chr2-29920285-C-G. GRCh37 (hg19) VCF-style: chr2-30143151-C-G.
Other names: short protein forms R125S.
Identifiers: ClinVar variation 948483 (VCV000948483.9), dbSNP rs1667956255, ClinGen allele CA346590165.
Genomic context (GRCh38, chr2:29,920,285, plus strand): 5'-CAGCTCCAGCACCAACTGCTTGGCACGCCGGAGCTTGCGCACGGAGCCGCCCTTCAGCAC[C>G]CTGGACAGCGTCCGGGCCTCTGCCGGGGCTGGTGAACCGGCGGTCCAGGAGACCCCCGGC-3'
Protein context (NP_004295.2, residues 115-135): PAPAEARTLS[Arg125Ser]VLKGGSVRKL

ClinVar aggregate classification (germline): Uncertain significance (1 of 4 stars; one submission).

Conditions:
Neuroblastoma, susceptibility to, 3. Also called: ALK-Related Neuroblastic Tumor Susceptibility. Identifiers: Orphanet 635, MedGen C2751681, MONDO:0013083, OMIM 613014.

Submission:

Labcorp Genetics (formerly Invitae), Labcorp
Classification: Uncertain significance for Neuroblastoma, susceptibility to, 3. Last evaluated: 2023-02-14. Review status: criteria provided, single submitter. Criteria: Invitae Variant Classification Sherloc (09022015). Collection method: clinical testing. Allele origin: germline.
Comment: This sequence change replaces arginine, which is basic and polar, with serine, which is neutral and polar, at codon 125 of the ALK protein (p.Arg125Ser). This variant is not present in population databases (gnomAD no frequency). This variant has not been reported in the literature in individuals affected with ALK-related conditions. ClinVar contains an entry for this variant (Variation ID: 948483). Algorithms developed to predict the effect of missense changes on protein structure and function are either unavailable or do not agree on the potential impact of this missense change (SIFT: "Deleterious"; PolyPhen-2: "Benign"; Align-GVGD: "Class C0"). In summary, the available evidence is currently insufficient to determine the role of this variant in disease. Therefore, it has been classified as a Variant of Uncertain Significance.